The following is an entry in ClinVar:

NM_002471.4(MYH6):c.978C>A (p.Asp326Glu)

Gene: MYH6 (myosin heavy chain 6; minus strand). Cytogenetic location: 14q11.2.
Variant type: single nucleotide variant.
Coding change: c.978C>A on transcript NM_002471.4 (MANE Select); coding-DNA position 978, C replaced by A.
Protein change: p.Asp326Glu; replaces aspartic acid 326 with glutamic acid.
Molecular consequence: missense variant.
Genome position (GRCh38, 1-based): chr14:23,402,721, G>T on the plus strand (C>A on the coding strand, the complement: MYH6 is on the minus strand). VCF-style: chr14-23402721-G-T. GRCh37 (hg19) VCF-style: chr14-23871930-G-T.
Other names: short protein forms D326E.
Identifiers: ClinVar variation 2587177 (VCV002587177.2), dbSNP rs2502198365, ClinGen allele CA389026878.
Genomic context (GRCh38, chr14:23,402,721, plus strand): 5'-GGTCCCTCGAACGGCCGCAGCAGCCCCCTCACTCACATCGGTGGCCATGAGCTCCTCGGA[G>T]TCATCAATGGAGGCCACGGACACCTCTCCCTGAGACACGAAGGCGTAGTCGTAGGGATTG-3'
Protein context (NP_002462.2, residues 316-336): QGEVSVASID[Asp326Glu]SEELMATDSA

ClinVar aggregate classification (germline): Uncertain significance (1 of 4 stars; one submission).

Conditions:
Cardiovascular phenotype. Identifiers: MedGen CN230736.

Submission:

Ambry Genetics
Classification: Uncertain significance for Cardiovascular phenotype. Last evaluated: 2023-07-18. Review status: criteria provided, single submitter. Criteria: Ambry Variant Classification Scheme 2023. Collection method: clinical testing. Allele origin: germline.
Comment: The p.D326E variant (also known as c.978C>A), located in coding exon 9 of the MYH6 gene, results from a C to A substitution at nucleotide position 978. The aspartic acid at codon 326 is replaced by glutamic acid, an amino acid with highly similar properties. This amino acid position is conserved. In addition, this alteration is predicted to be deleterious by in silico analysis. Since supporting evidence is limited at this time, the clinical significance of this alteration remains unclear.